The following is an entry in ClinVar:

ClinVar aggregate classification (germline): Benign. Review status: criteria provided, multiple submitters, no conflicts (2 of 4 stars). 9 submissions from 9 submitters: Benign (8). 1 of the submissions does not count toward it. Last evaluated 2026-02-04.

Conditions:
Meier-Gorlin syndrome 2 (MGORS2). Identifiers: Orphanet 2554, MedGen C3151097, MONDO:0013428, OMIM 613800.

Allele frequency attached by ClinVar (database versions not stated): ESP Exome Variant Server 0.31145; gnomAD 0.32301 and 0.32564; TOPMed 0.33334; 1000 Genomes Project 0.35583; 1000 Genomes Project 30x 0.35884.
gnomAD v4.1: 394,790 of 1,254,158 alleles (31%); highest among the groups gnomAD compares: East Asian, 51%; 64,339 homozygotes.

Submissions (9):

Labcorp Genetics (formerly Invitae), Labcorp
Classification: Benign. Last evaluated: 2026-02-04. Review status: criteria provided, single submitter. Criteria: Invitae Variant Classification Sherloc (09022015). Collection method: clinical testing. Allele origin: germline.

Blueprint Genetics
Classification: Benign. Last evaluated: 2024-11-26. Review status: criteria provided, single submitter. Criteria: ACMG Guidelines, 2015. Collection method: clinical testing. Allele origin: germline.

Genome-Nilou Lab
Classification: Benign for Meier-Gorlin syndrome 2. Last evaluated: 2021-09-05. Review status: criteria provided, single submitter. Criteria: ACMG Guidelines, 2015. Collection method: clinical testing. Allele origin: germline. Affected: no.

Mendelics
Classification: Benign for Meier-Gorlin syndrome 2. Last evaluated: 2019-05-28. Review status: criteria provided, single submitter. Criteria: Mendelics Assertion Criteria 2017. Collection method: clinical testing. Allele origin: unknown.

GeneDx
Classification: Benign. Last evaluated: 2018-07-09. Review status: criteria provided, single submitter. Criteria: GeneDx Variant Classification Process June 2021. Collection method: clinical testing. Allele origin: germline. Affected: yes.

Laboratory for Molecular Medicine, Mass General Brigham Personalized Medicine
Classification: Benign. Last evaluated: 2016-03-28. Review status: criteria provided, single submitter. Criteria: LMM Criteria. Collection method: clinical testing. Allele origin: germline.
Comment: Variant identified in a genome or exome case(s) and assessed due to predicted null impact of the variant or pathogenic assertions in the literature or databases. Disclaimer: This variant has not undergone full assessment. The following are preliminary notes: MAF

Breakthrough Genomics
Classification: Benign. Review status: criteria provided, single submitter. Criteria: ACMG Guidelines, 2015. Collection method: not provided. Allele origin: germline. Inheritance: Autosomal recessive inheritance. Affected: yes.

PreventionGenetics, part of Exact Sciences
Classification: Benign. Review status: criteria provided, single submitter. Criteria: ACMG Guidelines, 2015. Collection method: clinical testing. Allele origin: germline.

Genetic Services Laboratory, University of Chicago
Classification: Likely benign. Review status: no assertion criteria provided. Collection method: clinical testing. Allele origin: germline. Inheritance: Autosomal recessive inheritance. Not counted in ClinVar's aggregate classification.
Comment: Likely benign based on allele frequency in 1000 Genomes Project or ESP global frequency and its presence in a patient with a rare or unrelated disease phenotype. NOT Sanger confirmed

NM_181741.4(ORC4):c.233A>G (p.Asn78Ser)

Gene: ORC4 (origin recognition complex subunit 4; minus strand). Cytogenetic location: 2q23.1.
Variant type: single nucleotide variant.
Coding change: c.233A>G on transcript NM_181741.4 (MANE Select); coding-DNA position 233, A replaced by G.
Protein change: p.Asn78Ser; replaces asparagine 78 with serine.
Molecular consequence: missense variant. On other transcripts: 5 prime UTR variant (2).
Genome position (GRCh38, 1-based): chr2:147,958,859, T>C on the plus strand (A>G on the coding strand, the complement: ORC4 is on the minus strand). VCF-style: chr2-147958859-T-C. GRCh37 (hg19) VCF-style: chr2-148716428-T-C.
Other names: c.233A>G, p.Asn78Ser (NM_001190879.3, NM_001374270.1, NM_002552.5 and 1 more transcripts); c.-20A>G (NM_001190881.3, NM_001374272.1); c.11A>G, p.Asn4Ser (NM_001190882.3); short protein forms N78S, N4S.
Identifiers: ClinVar variation 159483 (VCV000159483.24), dbSNP rs2307394, ClinGen allele CA172925.